The following is an entry in ClinVar:

ClinVar aggregate classification (germline): Uncertain significance (1 of 4 stars; one submission).

gnomAD v4.1: 25 of 1,614,176 alleles (0.0015%); highest among the groups gnomAD compares: African/African-American, 0.0027%; no homozygotes.

Submission:

Labcorp Genetics (formerly Invitae), Labcorp
Classification: Uncertain significance. Last evaluated: 2025-12-29. Review status: criteria provided, single submitter. Criteria: Invitae Variant Classification Sherloc (09022015). Collection method: clinical testing. Allele origin: germline.
Comment: This sequence change replaces asparagine, which is neutral and polar, with serine, which is neutral and polar, at codon 390 of the LEMD3 protein (p.Asn390Ser). This variant is present in population databases (rs771144409, gnomAD 0.004%). This variant has not been reported in the literature in individuals affected with LEMD3-related conditions. ClinVar contains an entry for this variant (Variation ID: 3677486). Invitae Evidence Modeling of protein sequence and biophysical properties (such as structural, functional, and spatial information, amino acid conservation, physicochemical variation, residue mobility, and thermodynamic stability) indicates that this missense variant is not expected to disrupt LEMD3 protein function with a negative predictive value of 80%. In summary, the available evidence is currently insufficient to determine the role of this variant in disease. Therefore, it has been classified as a Variant of Uncertain Significance.

NM_014319.5(LEMD3):c.1169A>G (p.Asn390Ser)

Gene: LEMD3 (LEM domain containing 3; plus strand). Cytogenetic location: 12q14.3.
Variant type: single nucleotide variant.
Coding change: c.1169A>G on transcript NM_014319.5 (MANE Select); coding-DNA position 1169, A replaced by G.
Protein change: p.Asn390Ser; replaces asparagine 390 with serine.
Molecular consequence: missense variant.
Genome position (GRCh38, 1-based): chr12:65,170,765, A>G. VCF-style: chr12-65170765-A-G. GRCh37 (hg19) VCF-style: chr12-65564545-A-G.
Other names: c.1169A>G, p.Asn390Ser (NM_001167614.2); short protein forms N390S.
Identifiers: ClinVar variation 3677486 (VCV003677486.2).